The following is an entry in ClinVar:

NM_000348.4(SRD5A2):c.608G>T (p.Gly203Val)

Gene: SRD5A2 (steroid 5 alpha-reductase 2; minus strand). Cytogenetic location: 2p23.1.
Variant type: single nucleotide variant.
Coding change: c.608G>T on transcript NM_000348.4 (MANE Select); coding-DNA position 608, G replaced by T.
Protein change: p.Gly203Val; replaces glycine 203 with valine.
Molecular consequence: missense variant.
Genome position (GRCh38, 1-based): chr2:31,529,397, C>A on the plus strand (G>T on the coding strand, the complement: SRD5A2 is on the minus strand). VCF-style: chr2-31529397-C-A. GRCh37 (hg19) VCF-style: chr2-31754467-C-A.
Other names: short protein forms G203V.
Identifiers: ClinVar variation 4854886 (VCV004854886.1).

ClinVar aggregate classification (germline): Likely pathogenic (1 of 4 stars; one submission).

Conditions:
3-Oxo-5 alpha-steroid delta 4-dehydrogenase deficiency (PPSH). Also called: FAMILIAL INCOMPLETE MALE PSEUDOHERMAPHRODITISM, TYPE 2; MALE PSEUDOHERMAPHRODITISM DUE TO 5-ALPHA-REDUCTASE DEFICIENCY; PSEUDOVAGINAL PERINEOSCROTAL HYPOSPADIAS; 46,XY disorder of sex development due to 5-alpha-reductase 2 deficiency. Identifiers: Orphanet 753, MedGen C0268297, MONDO:0009923, OMIM 264600. Disease mechanism: loss of function.

Submission:

3billion
Classification: Likely pathogenic for 3-Oxo-5 alpha-steroid delta 4-dehydrogenase deficiency. Last evaluated: 2025-08-21. Review status: criteria provided, single submitter. Criteria: ACMG Guidelines, 2015. Collection method: clinical testing. Allele origin: germline. Affected: yes.
Comment: The variant is not observed in the gnomAD v4.1.0 dataset. Predicted Consequence/Location: Missense variant In silico tool predictions suggest damaging effect of the variant on gene or gene product [3Cnet: 0.96 (> 0.75, sensitivity 0.96 and precision 0.92)]. The variant is in trans with the other variant. Different missense changes at the same codon (p.Gly203Asp, p.Gly203Ser) have been reported as pathogenic/likely pathogenic with strong evidence (ClinVar ID: VCV000459640 /PMID: 32669180, 9135696 /3billion dataset). Therefore, this variant is classified as Likely pathogenic according to the recommendation of ACMG/AMP guideline.

Literature cited by the submitters: PubMed 32669180.